The following is an entry in ClinVar:

ClinVar aggregate classification (germline): Likely benign (0 of 4 stars; one submission).

Conditions:
MADD-related disorder. Also called: MADD-Related Disorders; MADD-related condition.

Allele frequency attached by ClinVar (database versions not stated): gnomAD 0.00005; TOPMed 0.00005; ExAC 0.00011.
gnomAD v4.1: 115 of 1,593,090 alleles (0.0072%); highest among the groups gnomAD compares: South Asian, 0.052%; 2 homozygotes.

Submission:

PreventionGenetics, part of Exact Sciences
Classification: Likely benign for MADD-related condition. Last evaluated: 2019-09-19. Review status: no assertion criteria provided. Collection method: clinical testing. Allele origin: germline.
Comment: This variant is classified as likely benign based on ACMG/AMP sequence variant interpretation guidelines (Richards et al. 2015 PMID: 25741868, with internal and published modifications).

NM_001376571.1(MADD):c.2700C>T (p.Pro900=)

Gene: MADD (MAP kinase activating death domain; plus strand). Cytogenetic location: 11p11.2.
Variant type: single nucleotide variant.
Coding change: c.2700C>T on transcript NM_001376571.1 (MANE Select); coding-DNA position 2700, C replaced by T.
Protein change: p.Pro900=; no amino-acid change (proline 900 retained).
Molecular consequence: synonymous variant. On other transcripts: intron variant (55), non-coding transcript variant (3).
Genome position (GRCh38, 1-based): chr11:47,289,014, C>T. VCF-style: chr11-47289014-C-T. GRCh37 (hg19) VCF-style: chr11-47310565-C-T.
Other names: c.2525-377C>T (NM_001376585.1, NM_001376597.1, NM_001376603.1 and 20 more transcripts); c.2423-377C>T (NM_001376658.1, NM_001376650.1); c.2498-377C>T (NM_001376649.1); c.2450-377C>T (NM_001376657.1, NM_001376620.1); c.2321-377C>T (NM_001376644.1, NM_001376647.1, NM_001376660.1); c.1988-377C>T (NM_001376663.1); c.2525-1596C>T (NM_001376662.1); c.2700C>T, p.Pro900= (NM_001376572.1, NM_001376573.1, NM_001376574.1 and 11 more transcripts); and 8 more.
Identifiers: ClinVar variation 3040014 (VCV003040014.2), dbSNP rs747218142, ClinGen allele CA5974535.
Genomic context (GRCh38, chr11:47,289,014, plus strand): 5'-ATTTTGTGTCCCAGTATTTGGGCTAAATACTCTAATGGAGATTGTTACTGAAGCCGGCCC[C>T]GGGAGTGGTGAAGGTGGGTCTTGCCTGTGAGCTGTGCATGATCTTTTTTTTTTCTCTAGC-3'
Protein context (NP_001363500.1, residues 890-910): TLMEIVTEAG[Pro900=]GSGEGNRRAL